The following is an entry in ClinVar:

NM_003659.4(AGPS):c.949C>T (p.Arg317Cys)

Gene: AGPS (alkylglycerone phosphate synthase; plus strand). Cytogenetic location: 2q31.2.
Variant type: single nucleotide variant.
Coding change: c.949C>T on transcript NM_003659.4 (MANE Select); coding-DNA position 949, C replaced by T.
Protein change: p.Arg317Cys; replaces arginine 317 with cysteine.
Molecular consequence: missense variant.
Genome position (GRCh38, 1-based): chr2:177,461,971, C>T. VCF-style: chr2-177461971-C-T. GRCh37 (hg19) VCF-style: chr2-178326699-C-T.
Other names: short protein forms R317C.
Identifiers: ClinVar variation 1402231 (VCV001402231.5), dbSNP rs375775258, ClinGen allele CA1980187.
Genomic context (GRCh38, chr2:177,461,971, plus strand): 5'-TGTACAGGTCATGAACCAGATTCCCTGGAGTTCAGTACTGTAGGAGGATGGGTATCTACT[C>T]GCGCATCAGGCATGAAGAAGAATATCTATGGCAATATCGAGGACCTGGTAAATATTTTTC-3'
Protein context (NP_003650.1, residues 307-327): FSTVGGWVST[Arg317Cys]ASGMKKNIYG

ClinVar aggregate classification (germline): Uncertain significance (1 of 4 stars; one submission).

Allele frequency attached by ClinVar (database versions not stated): ExAC 0.00001; gnomAD 0.00001; ESP Exome Variant Server 0.00008.
gnomAD v4.1: 43 of 1,612,288 alleles (0.0027%); highest among the groups gnomAD compares: Non-Finnish European, 0.0035%; no homozygotes.

Submission:

Labcorp Genetics (formerly Invitae), Labcorp
Classification: Uncertain significance. Last evaluated: 2021-08-31. Review status: criteria provided, single submitter. Criteria: Invitae Variant Classification Sherloc (09022015). Collection method: clinical testing. Allele origin: germline.
Comment: This sequence change replaces arginine with cysteine at codon 317 of the AGPS protein (p.Arg317Cys). The arginine residue is moderately conserved and there is a large physicochemical difference between arginine and cysteine. This variant is present in population databases (rs375775258, ExAC 0.001%). This variant has not been reported in the literature in individuals affected with AGPS-related conditions. Algorithms developed to predict the effect of missense changes on protein structure and function are either unavailable or do not agree on the potential impact of this missense change (SIFT: "Deleterious"; PolyPhen-2: "Probably Damaging"; Align-GVGD: "Class C0"). In summary, the available evidence is currently insufficient to determine the role of this variant in disease. Therefore, it has been classified as a Variant of Uncertain Significance.